The following is an entry in ClinVar:

ClinVar aggregate classification (germline): Benign/Likely benign. Review status: criteria provided, multiple submitters, no conflicts (2 of 4 stars). 8 submissions from 7 submitters: Benign (3); Likely benign (3). 2 of the submissions do not count toward it. Last evaluated 2026-01-27.

Conditions:
Autosomal dominant nocturnal frontal lobe epilepsy 5. Also called: KCNT1-Related Epilepsy; CILIARY DYSKINESIA, PRIMARY, 28, WITHOUT SITUS INVERSUS; CILIARY DYSKINESIA, PRIMARY, 28, WITH SITUS INVERSUS; Epilepsy, nocturnal frontal lobe, 5. Identifiers: Orphanet 98784, MedGen C3554306, MONDO:0014002, OMIM 615005.
Developmental and epileptic encephalopathy, 14 (DEE14). Also called: Early infantile epileptic encephalopathy 14. Identifiers: Orphanet 293181, MedGen C3554195, MONDO:0013989, OMIM 614959.

Allele frequency attached by ClinVar (database versions not stated): ExAC 0.00050; gnomAD exomes 0.00060 and 0.00125; TOPMed 0.00064; gnomAD 0.00066 and 0.00068; ESP Exome Variant Server 0.00131.
gnomAD v4.1: 1,888 of 1,610,850 alleles (0.12%); highest among the groups gnomAD compares: Non-Finnish European, 0.15%; 2 homozygotes.

Submissions (8):

Labcorp Genetics (formerly Invitae), Labcorp
Classification: Benign for Autosomal dominant nocturnal frontal lobe epilepsy 5; Developmental and epileptic encephalopathy, 14. Last evaluated: 2026-01-27. Review status: criteria provided, single submitter. Criteria: Invitae Variant Classification Sherloc (09022015). Collection method: clinical testing. Allele origin: germline.

Blueprint Genetics
Classification: Likely benign. Last evaluated: 2024-11-08. Review status: criteria provided, single submitter. Criteria: ACMG Guidelines, 2015. Collection method: clinical testing. Allele origin: germline.

Genome-Nilou Lab
Classification: Benign for Developmental and epileptic encephalopathy, 14. Last evaluated: 2022-03-15. Review status: criteria provided, single submitter. Criteria: ACMG Guidelines, 2015. Collection method: clinical testing. Allele origin: germline. Affected: no.

Genome-Nilou Lab
Classification: Benign for Autosomal dominant nocturnal frontal lobe epilepsy 5. Last evaluated: 2022-03-15. Review status: criteria provided, single submitter. Criteria: ACMG Guidelines, 2015. Collection method: clinical testing. Allele origin: germline. Affected: no.

Fulgent Genetics
Classification: Likely benign for Developmental and epileptic encephalopathy, 14; Autosomal dominant nocturnal frontal lobe epilepsy 5. Last evaluated: 2021-08-06. Review status: criteria provided, single submitter. Criteria: ACMG Guidelines, 2015. Collection method: clinical testing. Allele origin: unknown.

GeneDx
Classification: Likely benign. Last evaluated: 2017-11-14. Review status: criteria provided, single submitter. Criteria: GeneDx Variant Classification (06012015). Collection method: clinical testing. Allele origin: germline. Affected: yes.
Comment: This variant is considered likely benign or benign based on one or more of the following criteria: it is a conservative change, it occurs at a poorly conserved position in the protein, it is predicted to be benign by multiple in silico algorithms, and/or has population frequency not consistent with disease.

Diagnostic Laboratory, Department of Genetics, University Medical Center Groningen
Classification: Likely benign. Review status: no assertion criteria provided. Collection method: clinical testing. Allele origin: germline. Affected: yes. Study: VKGL Data-share Consensus. Not counted in ClinVar's aggregate classification.

Genome Diagnostics Laboratory, University Medical Center Utrecht
Classification: Likely benign. Review status: no assertion criteria provided. Collection method: clinical testing. Allele origin: germline. Affected: yes. Study: VKGL Data-share Consensus. Not counted in ClinVar's aggregate classification.

NM_020822.3(KCNT1):c.3503-18C>T

Gene: KCNT1 (potassium sodium-activated channel subfamily T member 1; plus strand). Cytogenetic location: 9q34.3.
Variant type: single nucleotide variant.
Coding change: c.3503-18C>T on transcript NM_020822.3 (MANE Select); 18 bases into the intron before coding-DNA position 3503, C replaced by T.
Molecular consequence: intron variant.
Genome position (GRCh38, 1-based): chr9:135,791,779, C>T. VCF-style: chr9-135791779-C-T. GRCh37 (hg19) VCF-style: chr9-138683625-C-T.
Other names: c.3431-18C>T (NM_001272003.2).
Identifiers: ClinVar variation 388007 (VCV000388007.16), dbSNP rs373901872, ClinGen allele CA5327927.